The following is an entry in ClinVar:

ClinVar aggregate classification (germline): Pathogenic. Review status: criteria provided, multiple submitters, no conflicts (2 of 4 stars). 2 submissions from 2 submitters: Pathogenic (2). Last evaluated 2023-10-16.

Conditions:
Bardet-Biedl syndrome 12 (BBS12). Identifiers: Orphanet 110, MedGen C1859570, MONDO:0014440, OMIM 615989.
Bardet-Biedl syndrome (BBS). Identifiers: Orphanet 110, MedGen C0752166, MONDO:0015229.

Allele frequency attached by ClinVar (database versions not stated): TOPMed below 0.00001; ExAC 0.00001; gnomAD 0.00001; gnomAD exomes below 0.00001.
gnomAD v4.1: 4 of 1,614,094 alleles (0.00025%); highest among the groups gnomAD compares: Non-Finnish European, 0.00034%; no homozygotes.

Submissions (2):

Baylor Genetics
Classification: Pathogenic for Bardet-Biedl syndrome 12. Last evaluated: 2023-10-16. Review status: criteria provided, single submitter. Criteria: ACMG Guidelines, 2015. Collection method: clinical testing. Allele origin: unknown.

Labcorp Genetics (formerly Invitae), Labcorp
Classification: Pathogenic for Bardet-Biedl syndrome. Last evaluated: 2023-06-29. Review status: criteria provided, single submitter. Criteria: Invitae Variant Classification Sherloc (09022015). Collection method: clinical testing. Allele origin: germline.
Comment: This sequence change creates a premature translational stop signal (p.Gln300*) in the BBS12 gene. While this is not anticipated to result in nonsense mediated decay, it is expected to disrupt the last 411 amino acid(s) of the BBS12 protein. This variant is present in population databases (rs754448484, gnomAD 0.0009%). This premature translational stop signal has been observed in individual(s) with Bardet-Biedl syndrome (PMID: 23591405). ClinVar contains an entry for this variant (Variation ID: 959685). This variant disrupts a region of the BBS12 protein in which other variant(s) (p.Arg355*) have been determined to be pathogenic (PMID: 17160889, 23591405). This suggests that this is a clinically significant region of the protein, and that variants that disrupt it are likely to be disease-causing. For these reasons, this variant has been classified as Pathogenic.

Literature cited by the submitters: PubMed 23591405 (cited by Labcorp Genetics (formerly Invitae), Labcorp); PubMed 17160889 (cited by Labcorp Genetics (formerly Invitae), Labcorp).

NM_152618.3(BBS12):c.898C>T (p.Gln300Ter)

Gene: BBS12 (Bardet-Biedl syndrome 12; plus strand). Cytogenetic location: 4q27.
Variant type: single nucleotide variant.
Coding change: c.898C>T on transcript NM_152618.3 (MANE Select); coding-DNA position 898, C replaced by T.
Protein change: p.Gln300Ter; replaces glutamine 300 with a stop codon.
Molecular consequence: nonsense.
Genome position (GRCh38, 1-based): chr4:122,742,790, C>T. VCF-style: chr4-122742790-C-T. GRCh37 (hg19) VCF-style: chr4-123663945-C-T.
Other names: c.898C>T, p.Gln300Ter (NM_001178007.2); short protein forms Q300*.
Identifiers: ClinVar variation 959685 (VCV000959685.8), dbSNP rs754448484, ClinGen allele CA3069345.